The following is an entry in ClinVar:

NM_005188.4(CBL):c.1153G>A (p.Ala385Thr)

Gene: CBL (Cbl proto-oncogene; plus strand). Cytogenetic location: 11q23.3.
Variant type: single nucleotide variant.
Coding change: c.1153G>A on transcript NM_005188.4 (MANE Select); coding-DNA position 1153, G replaced by A.
Protein change: p.Ala385Thr; replaces alanine 385 with threonine.
Molecular consequence: missense variant.
Genome position (GRCh38, 1-based): chr11:119,278,223, G>A. VCF-style: chr11-119278223-G-A. GRCh37 (hg19) VCF-style: chr11-119148933-G-A.
Other names: short protein forms A385T.
Identifiers: ClinVar variation 2761507 (VCV002761507.3), dbSNP rs2135303727, ClinGen allele CA382912558.

ClinVar aggregate classification (germline): Uncertain significance (1 of 4 stars; one submission).

Conditions:
RASopathy. Also called: rasopathies; Noonan spectrum disorder. Identifiers: Orphanet 536391, MedGen C5555857, MONDO:0021060.

Submission:

Labcorp Genetics (formerly Invitae), Labcorp
Classification: Uncertain significance for RASopathy. Last evaluated: 2024-03-19. Review status: criteria provided, single submitter. Criteria: Invitae Variant Classification Sherloc (09022015). Collection method: clinical testing. Allele origin: germline.
Comment: This sequence change replaces alanine, which is neutral and non-polar, with threonine, which is neutral and polar, at codon 385 of the CBL protein (p.Ala385Thr). This variant is not present in population databases (gnomAD no frequency). This variant has not been reported in the literature in individuals affected with CBL-related conditions. Advanced modeling of protein sequence and biophysical properties (such as structural, functional, and spatial information, amino acid conservation, physicochemical variation, residue mobility, and thermodynamic stability) performed at Invitae indicates that this missense variant is not expected to disrupt CBL protein function with a negative predictive value of 95%. In summary, the available evidence is currently insufficient to determine the role of this variant in disease. Therefore, it has been classified as a Variant of Uncertain Significance.